The following is an entry in ClinVar:

NM_017617.5(NOTCH1):c.140+71G>A

Gene: NOTCH1 (notch receptor 1; minus strand). Cytogenetic location: 9q34.3.
Variant type: single nucleotide variant.
Coding change: c.140+71G>A on transcript NM_017617.5 (MANE Select); 71 bases into the intron after coding-DNA position 140, G replaced by A.
Molecular consequence: intron variant.
Genome position (GRCh38, 1-based): chr9:136,543,953, C>T on the plus strand (G>A on the coding strand, the complement: NOTCH1 is on the minus strand). VCF-style: chr9-136543953-C-T. GRCh37 (hg19) VCF-style: chr9-139438405-C-T.
Identifiers: ClinVar variation 679804 (VCV000679804.1), dbSNP rs143229795, ClinGen allele CA13091648.

ClinVar aggregate classification (germline): Likely benign (1 of 4 stars; one submission).

Allele frequency attached by ClinVar (database versions not stated): TOPMed 0.00384; 1000 Genomes Project 0.00459; 1000 Genomes Project 30x 0.00547; gnomAD exomes 0.00631; gnomAD 0.00638 and 0.00654.
gnomAD v4.1: 8,665 of 1,379,680 alleles (0.63%); highest among the groups gnomAD compares: Non-Finnish European, 0.59%; 55 homozygotes.

Submission:

GeneDx
Classification: Likely benign. Last evaluated: 2018-06-19. Review status: criteria provided, single submitter. Criteria: GeneDx Variant Classification (06012015). Collection method: clinical testing. Allele origin: germline. Affected: yes.
Comment: This variant is considered likely benign or benign based on one or more of the following criteria: it is a conservative change, it occurs at a poorly conserved position in the protein, it is predicted to be benign by multiple in silico algorithms, and/or has population frequency not consistent with disease.